The following is an entry in ClinVar:

ClinVar aggregate classification (germline): Uncertain significance (1 of 4 stars; one submission).

Conditions:
Hypertrophic cardiomyopathy. Also called: HYPERTROPHIC MYOCARDIOPATHY. Identifiers: Orphanet 217569, MedGen C0007194, MeSH D002312, MONDO:0005045, HP:0001639.

Submission:

Labcorp Genetics (formerly Invitae), Labcorp
Classification: Uncertain significance for Hypertrophic cardiomyopathy. Last evaluated: 2024-03-25. Review status: criteria provided, single submitter. Criteria: Invitae Variant Classification Sherloc (09022015). Collection method: clinical testing. Allele origin: germline.
Comment: This sequence change replaces tyrosine, which is neutral and polar, with cysteine, which is neutral and slightly polar, at codon 715 of the MYH7 protein (p.Tyr715Cys). This variant is not present in population databases (gnomAD no frequency). This variant has not been reported in the literature in individuals affected with MYH7-related conditions. ClinVar contains an entry for this variant (Variation ID: 1058378). Advanced modeling of protein sequence and biophysical properties (such as structural, functional, and spatial information, amino acid conservation, physicochemical variation, residue mobility, and thermodynamic stability) performed at Invitae indicates that this missense variant is expected to disrupt MYH7 protein function with a positive predictive value of 95%. In summary, the available evidence is currently insufficient to determine the role of this variant in disease. Therefore, it has been classified as a Variant of Uncertain Significance.

NM_000257.4(MYH7):c.2144A>G (p.Tyr715Cys)

Gene: MYH7 (myosin heavy chain 7; minus strand). Cytogenetic location: 14q11.2.
Variant type: single nucleotide variant.
Coding change: c.2144A>G on transcript NM_000257.4 (MANE Select); coding-DNA position 2144, A replaced by G.
Protein change: p.Tyr715Cys; replaces tyrosine 715 with cysteine.
Molecular consequence: missense variant.
Genome position (GRCh38, 1-based): chr14:23,425,982, T>C on the plus strand (A>G on the coding strand, the complement: MYH7 is on the minus strand). VCF-style: chr14-23425982-T-C. GRCh37 (hg19) VCF-style: chr14-23895191-T-C.
Other names: short protein forms Y715C.
Identifiers: ClinVar variation 1058378 (VCV001058378.9), dbSNP rs2138668784, ClinGen allele CA389049038.